The following is an entry in ClinVar:

NM_139276.3(STAT3):c.1237C>T (p.Leu413=)

Gene: STAT3 (signal transducer and activator of transcription 3; minus strand). Cytogenetic location: 17q21.2.
Variant type: single nucleotide variant.
Coding change: c.1237C>T on transcript NM_139276.3 (MANE Select); coding-DNA position 1237, C replaced by T.
Protein change: p.Leu413=; no amino-acid change (leucine 413 retained).
Molecular consequence: synonymous variant.
Genome position (GRCh38, 1-based): chr17:42,329,454, G>A on the plus strand (C>T on the coding strand, the complement: STAT3 is on the minus strand). VCF-style: chr17-42329454-G-A. GRCh37 (hg19) VCF-style: chr17-40481472-G-A.
Other names: c.1237C>T, p.Leu413= (NM_001369512.1, NM_001369513.1, NM_001369514.1 and 12 more transcripts); c.1159C>T, p.Leu387= (NM_001384985.1); c.1252C>T, p.Leu418= (NM_001384986.1, NM_001384990.1); c.1141C>T, p.Leu381= (NM_001384989.1); c.1177C>T, p.Leu393= (NM_001384992.1).
Identifiers: ClinVar variation 323245 (VCV000323245.15), dbSNP rs146946014, ClinGen allele CA8575380.

ClinVar aggregate classification (germline): Likely benign. Review status: criteria provided, multiple submitters, no conflicts (2 of 4 stars). 2 submissions from 2 submitters: Likely benign (2). Last evaluated 2025-08-23.

Conditions:
Hyper-IgE recurrent infection syndrome 1, autosomal dominant. Also called: HYPER-IgE SYNDROME 1, AUTOSOMAL DOMINANT, WITH RECURRENT INFECTIONS; JOB SYNDROME; Job's Syndrome; STAT3 Hyper IgE Syndrome; Hyper-IgE recurrent infection syndrome 1. Identifiers: Orphanet 2314, MedGen C2936739, MONDO:0007818, OMIM 147060.
STAT3 gain of function. Identifiers: MedGen C4288261.

Allele frequency attached by ClinVar (database versions not stated): gnomAD exomes 0.00006 and 0.00010; ExAC 0.00007; ESP Exome Variant Server 0.00008; gnomAD 0.00008 and 0.00009; TOPMed 0.00013.
gnomAD v4.1: 104 of 1,614,166 alleles (0.0064%); highest among the groups gnomAD compares: Middle Eastern, 0.083%; no homozygotes.

Submissions (2):

Labcorp Genetics (formerly Invitae), Labcorp
Classification: Likely benign for STAT3 gain of function; Hyper-IgE recurrent infection syndrome 1, autosomal dominant. Last evaluated: 2025-08-23. Review status: criteria provided, single submitter. Criteria: Invitae Variant Classification Sherloc (09022015). Collection method: clinical testing. Allele origin: germline.

Illumina Laboratory Services, Illumina
Classification: Likely benign for Hyper-IgE recurrent infection syndrome 1, autosomal dominant. Last evaluated: 2017-04-27. Review status: criteria provided, single submitter. Criteria: ICSL Variant Classification Criteria 13 December 2019. Collection method: clinical testing. Allele origin: germline.
Comment: This variant was observed as part of a predisposition screen in an ostensibly healthy population. A literature search was performed for the gene, cDNA change, and amino acid change (where applicable). No publications were found based on this search. Allele frequency data from public databases allowed determination this variant is unlikely to cause disease. Therefore, this variant is classified as likely benign.